The following is an entry in ClinVar:

NM_024809.5(TCTN2):c.877T>A (p.Phe293Ile)

Gene: TCTN2 (tectonic family member 2; plus strand). Cytogenetic location: 12q24.31.
Variant type: single nucleotide variant.
Coding change: c.877T>A on transcript NM_024809.5 (MANE Select); coding-DNA position 877, T replaced by A.
Protein change: p.Phe293Ile; replaces phenylalanine 293 with isoleucine.
Molecular consequence: missense variant.
Genome position (GRCh38, 1-based): chr12:123,688,163, T>A. VCF-style: chr12-123688163-T-A. GRCh37 (hg19) VCF-style: chr12-124172710-T-A.
Other names: c.874T>A, p.Phe292Ile (NM_001143850.3); short protein forms F293I, F292I.
Identifiers: ClinVar variation 1390315 (VCV001390315.6), dbSNP rs201322440, ClinGen allele CA245162133.
Genomic context (GRCh38, chr12:123,688,163, plus strand): 5'-GACTTTGCAGACTTTGGTTACAAACAAGGAGATCCCATTATGACTGTAAAGAAGGCATAT[T>A]TTACTATTCCGCAGGTAATCGTTGCAATATTAGTATGCTAGACCGTTCTCTTTTTTTTTT-3'
Protein context (NP_079085.2, residues 283-303): DPIMTVKKAY[Phe293Ile]TIPQVSLAGQ

ClinVar aggregate classification (germline): Uncertain significance (1 of 4 stars; one submission).

Conditions:
Joubert syndrome. Also called: CEREBELLOPARENCHYMAL DISORDER IV; JOUBERT-BOLTSHAUSER SYNDROME; Familial aplasia of the vermis. Identifiers: Orphanet 475, MedGen C5979921, MONDO:0018772.
Meckel-Gruber syndrome. Also called: DYSENCEPHALIA SPLANCHNOCYSTICA; GRUBER SYNDROME; Dysencephalia splachnocystica. Identifiers: Orphanet 564, MedGen C0265215, MONDO:0018921.

Allele frequency attached by ClinVar (database versions not stated): gnomAD exomes below 0.00001.
gnomAD v4.1: 1 of 1,613,708 alleles (0.000062%); no homozygotes.

Submission:

Labcorp Genetics (formerly Invitae), Labcorp
Classification: Uncertain significance for Joubert syndrome; Meckel-Gruber syndrome. Last evaluated: 2023-07-20. Review status: criteria provided, single submitter. Criteria: Invitae Variant Classification Sherloc (09022015). Collection method: clinical testing. Allele origin: germline.
Comment: In summary, the available evidence is currently insufficient to determine the role of this variant in disease. Therefore, it has been classified as a Variant of Uncertain Significance. Advanced modeling of protein sequence and biophysical properties (such as structural, functional, and spatial information, amino acid conservation, physicochemical variation, residue mobility, and thermodynamic stability) performed at Invitae indicates that this missense variant is expected to disrupt TCTN2 protein function. ClinVar contains an entry for this variant (Variation ID: 1390315). This variant has not been reported in the literature in individuals affected with TCTN2-related conditions. This variant is present in population databases (rs201322440, gnomAD 0.0009%). This sequence change replaces phenylalanine, which is neutral and non-polar, with isoleucine, which is neutral and non-polar, at codon 293 of the TCTN2 protein (p.Phe293Ile).